The following is an entry in ClinVar:

NM_001042545.2(LTBP4):c.4444G>T (p.Val1482Leu)

Gene: LTBP4 (latent transforming growth factor beta binding protein 4; plus strand). Cytogenetic location: 19q13.2.
Variant type: single nucleotide variant.
Coding change: c.4444G>T on transcript NM_001042545.2 (MANE Select); coding-DNA position 4444, G replaced by T.
Protein change: p.Val1482Leu; replaces valine 1482 with leucine.
Molecular consequence: missense variant.
Genome position (GRCh38, 1-based): chr19:40,627,782, G>T. VCF-style: chr19-40627782-G-T. GRCh37 (hg19) VCF-style: chr19-41133687-G-T.
Other names: c.4645G>T, p.Val1549Leu (NM_001042544.1); c.4534G>T, p.Val1512Leu (NM_003573.2); short protein forms V1482L, V1512L, V1549L.
Identifiers: ClinVar variation 2914240 (VCV002914240.1), dbSNP rs765443074, ClinGen allele CA9449324.

ClinVar aggregate classification (germline): Uncertain significance (1 of 4 stars; one submission).

Allele frequency attached by ClinVar (database versions not stated): TOPMed below 0.00001; gnomAD 0.00001; gnomAD exomes 0.00001; ExAC 0.00006.
gnomAD v4.1: 8 of 1,573,896 alleles (0.00051%); highest among the groups gnomAD compares: Non-Finnish European, 0.00069%; no homozygotes.

Submission:

Labcorp Genetics (formerly Invitae), Labcorp
Classification: Uncertain significance. Last evaluated: 2023-10-29. Review status: criteria provided, single submitter. Criteria: Invitae Variant Classification Sherloc (09022015). Collection method: clinical testing. Allele origin: germline.
Comment: This sequence change replaces valine, which is neutral and non-polar, with leucine, which is neutral and non-polar, at codon 1512 of the LTBP4 protein (p.Val1512Leu). The frequency data for this variant in the population databases is considered unreliable, as metrics indicate poor data quality at this position in the gnomAD database. This variant has not been reported in the literature in individuals affected with LTBP4-related conditions. Experimental studies and prediction algorithms are not available or were not evaluated, and the functional significance of this variant is currently unknown. In summary, the available evidence is currently insufficient to determine the role of this variant in disease. Therefore, it has been classified as a Variant of Uncertain Significance.